The following is an entry in ClinVar:

ClinVar aggregate classification (germline): Benign (1 of 4 stars; one submission).

Allele frequency attached by ClinVar (database versions not stated): TOPMed 0.43371; 1000 Genomes Project 0.49501; 1000 Genomes Project 30x 0.50468.
gnomAD v4.1: 63,904 of 152,014 alleles (42%); highest among the groups gnomAD compares: African/African-American, 72%; 16,285 homozygotes.

Submission:

GeneDx
Classification: Benign. Last evaluated: 2018-06-19. Review status: criteria provided, single submitter. Criteria: GeneDx Variant Classification (06012015). Collection method: clinical testing. Allele origin: germline. Affected: yes.
Comment: This variant is considered likely benign or benign based on one or more of the following criteria: it is a conservative change, it occurs at a poorly conserved position in the protein, it is predicted to be benign by multiple in silico algorithms, and/or has population frequency not consistent with disease.

NM_016373.4(WWOX):c.606-283T>C

Gene: WWOX (WW domain containing oxidoreductase; plus strand). Cytogenetic location: 16q23.1.
Variant type: single nucleotide variant.
Coding change: c.606-283T>C on transcript NM_016373.4 (MANE Select); 283 bases into the intron before coding-DNA position 606, T replaced by C.
Molecular consequence: intron variant.
Genome position (GRCh38, 1-based): chr16:78,424,587, T>C. VCF-style: chr16-78424587-T-C. GRCh37 (hg19) VCF-style: chr16-78458484-T-C.
Other names: c.267-283T>C (NM_001291997.2).
Identifiers: ClinVar variation 667589 (VCV000667589.1), dbSNP rs8064007, ClinGen allele CA14302702.